The following is an entry in ClinVar:

NM_000093.5(COL5A1):c.1726C>T (p.Pro576Ser)

Gene: COL5A1 (collagen type V alpha 1 chain; plus strand). Cytogenetic location: 9q34.3.
Variant type: single nucleotide variant.
Coding change: c.1726C>T on transcript NM_000093.5 (MANE Select); coding-DNA position 1726, C replaced by T.
Protein change: p.Pro576Ser; replaces proline 576 with serine.
Molecular consequence: missense variant.
Genome position (GRCh38, 1-based): chr9:134,753,856, C>T. VCF-style: chr9-134753856-C-T. GRCh37 (hg19) VCF-style: chr9-137645702-C-T.
Other names: p.P576S:CCT>TCT; p.Pro576Ser; c.1726C>T, p.Pro576Ser (NM_001278074.1); short protein forms P576S.
Identifiers: ClinVar variation 212941 (VCV000212941.21), dbSNP rs763246328, ClinGen allele CA322973.

ClinVar aggregate classification (germline): Conflicting classifications of pathogenicity. Review status: criteria provided, conflicting classifications (1 of 4 stars). 6 submissions from 6 submitters: Uncertain significance (3); Benign (1); Likely benign (2). Last evaluated 2026-05-01.

Conditions:
Ehlers-Danlos syndrome, classic type, 1 (EDSCL1). Also called: EHLERS-DANLOS SYNDROME, GRAVIS TYPE; EHLERS-DANLOS SYNDROME, SEVERE CLASSIC TYPE; Ehlers-Danlos syndrome, type 1; Ehlers-Danlos Syndrome, Classic Type, COL5A1-Related; EDS I. Identifiers: MedGen C0268335, MONDO:0019567, OMIM 130000.
Familial thoracic aortic aneurysm and aortic dissection (TAAD). Also called: Thoracic aortic aneurysms and dissections. Identifiers: Orphanet 91387, MedGen C4707243, MONDO:0019625.

Allele frequency attached by ClinVar (database versions not stated): gnomAD exomes 0.00006 and 0.00008; TOPMed 0.00006; gnomAD 0.00007 and 0.00009; ExAC 0.00009.
gnomAD v4.1: 126 of 1,613,380 alleles (0.0078%); highest among the groups gnomAD compares: Non-Finnish European, 0.01%; no homozygotes.

Submissions (6):

CeGaT Center for Human Genetics Tuebingen
Classification: Likely benign. Last evaluated: 2026-05-01. Review status: criteria provided, single submitter. Criteria: CeGaT Center For Human Genetics Tuebingen Variant Classification Criteria Version 2. Collection method: clinical testing. Allele origin: germline. Affected: yes. Observed: 1 variant allele.
Comment: COL5A1: BS1

Labcorp Genetics (formerly Invitae), Labcorp
Classification: Benign for Ehlers-Danlos syndrome, classic type, 1. Last evaluated: 2025-11-13. Review status: criteria provided, single submitter. Criteria: Invitae Variant Classification Sherloc (09022015). Collection method: clinical testing. Allele origin: germline.

Women's Health and Genetics/Laboratory Corporation of America, LabCorp
Classification: Likely benign. Last evaluated: 2025-05-08. Review status: criteria provided, single submitter. Criteria: LabCorp Variant Classification Summary - May 2015. Collection method: clinical testing. Allele origin: germline.
Comment: Variant summary: COL5A1 c.1726C>T (p.Pro576Ser) results in a non-conservative amino acid change in the encoded protein sequence. Algorithms developed to predict the effect of missense changes on protein structure and function all suggest that this variant is likely to be disruptive. The variant allele was found at a frequency of 6e-05 in 250942 control chromosomes. The observed variant frequency is approximately 2-fold of the estimated maximal expected allele frequency for a pathogenic variant in COL5A1 causing Ehlers-Danlos syndrome, classic type, 1 phenotype (3.1e-05), suggesting the variant may be benign. c.1726C>T has been observed in at least one individual affected with Ehlers-Danlos syndrome, classic type 1 classified as likely benign and carrying an alternate variant (e.g. Junkiert-Czarnecka_2022). These report(s) do not provide unequivocal conclusions about association of the variant with Ehlers-Danlos syndrome, classic type, 1. To our knowledge, no experimental evidence demonstrating an impact on protein function has been reported. The following publication has been ascertained in the context of this evaluation (PMID: 35723357). ClinVar contains an entry for this variant (Variation ID: 212941). Based on the evidence outlined above, the variant was classified as likely benign.

GeneDx
Classification: Uncertain significance. Last evaluated: 2024-06-18. Review status: criteria provided, single submitter. Criteria: GeneDx Variant Classification Process June 2021. Collection method: clinical testing. Allele origin: germline. Affected: yes.
Comment: Identified in a patient with classic Ehlers-Danlos syndrome (cEDS) who also harbored a variant in the COL6A3 gene (PMID: 35723357); In silico analysis supports that this missense variant has a deleterious effect on protein structure/function; Occurs in the triple helical domain at the Y position in the canonical Gly-X-Y repeat; although this variant may have an effect on normal protein folding and function, missense substitution at the Y position is not a common mechanism of disease (PMID: 22696272, HGMD); This variant is associated with the following publications: (PMID: 35723357, 22696272)

Ambry Genetics
Classification: Uncertain significance for Familial thoracic aortic aneurysm and aortic dissection. Last evaluated: 2024-02-24. Review status: criteria provided, single submitter. Criteria: Ambry Variant Classification Scheme 2023. Collection method: clinical testing. Allele origin: germline.
Comment: The p.P576S variant (also known as c.1726C>T), located in coding exon 15 of the COL5A1 gene, results from a C to T substitution at nucleotide position 1726. The proline at codon 576 is replaced by serine, an amino acid with similar properties. This variant was reported in an individual with classic Ehlers-Danlos syndrome (Junkiert-Czarnecka A et al. Curr Issues Mol Biol. 2022 Mar;44(4):1472-1478). This amino acid position is highly conserved in available vertebrate species. In addition, the in silico prediction for this alteration is inconclusive. Based on the available evidence, the clinical significance of this alteration remains unclear.

Mayo Clinic Laboratories, Mayo Clinic
Classification: Uncertain significance. Last evaluated: 2023-06-22. Review status: criteria provided, single submitter. Criteria: ACMG Guidelines, 2015. Collection method: clinical testing. Allele origin: germline. Observed: 1 variant allele.
Comment: BS1

Literature cited by the submitters: PubMed 35723357 (cited by 3 submitters).